The following is an entry in ClinVar:

NM_000260.4(MYO7A):c.4994_5001del (p.Asp1665fs)

Gene: MYO7A (myosin VIIA; plus strand). Cytogenetic location: 11q13.5.
Variant type: Deletion.
Coding change: c.4994_5001del on transcript NM_000260.4 (MANE Select); coding-DNA positions 4994 to 5001, 8 bases deleted (ACAGTGTG; older notation c.4994_5001delACAGTGTG).
Protein change: p.Asp1665fs; shifts the reading frame from aspartic acid 1665.
Molecular consequence: frameshift variant.
Genome position (GRCh38, 1-based): chr11:77,201,589-77,201,596, ACAGTGTG deleted; deleting any 8 consecutive bases within chr11:77,201,588-77,201,596 gives the same sequence; the c. name uses the placement nearest the transcript's 3' end. VCF-style (leftmost placement, unchanged base first): chr11-77201587-CGACAGTGT-C. GRCh37 (hg19) VCF-style: chr11-76912632-CGACAGTGT-C.
Other names: c.4880_4887del, p.Asp1627fs (NM_001127180.2); c.4847_4854del, p.Asp1616fs (NM_001369365.1); short protein forms D1616fs, D1627fs, D1665fs.
Identifiers: ClinVar variation 3601483 (VCV003601483.1).
Genomic context (GRCh38, chr11:77,201,587, plus strand): 5'-GAACTCGGGCTGGGCCAACGGCATCAATGAGAGGACCAAGCAGCGTGGGGACTTCCCCAC[CGACAGTGT>C]GTACGTCATGCCCACTGTCACCATGCCACCGCGGGAGATTGTGGTATGTGGCCTGGGGGT-3'

ClinVar aggregate classification (germline): Pathogenic (1 of 4 stars; one submission).

Conditions:
Usher syndrome type 1 (USH1). Also called: RETINITIS PIGMENTOSA AND CONGENITAL DEAFNESS. Identifiers: Orphanet 231169, Orphanet 886, MedGen C1568247, MONDO:0010168, OMIM 276900.

Submission:

Institute of Rare Diseases, West China Hospital, Sichuan University
Classification: Pathogenic for Usher syndrome type 1. Last evaluated: 2025-01-09. Review status: criteria provided, single submitter. Criteria: ClinGen HL ACMG Specifications v1. Collection method: research. Allele origin: germline. Affected: yes.
Comment: PVS1;PM3_Supporting;PP4;PM2_Supporting